The following is an entry in ClinVar:

ClinVar aggregate classification (germline): Uncertain significance (1 of 4 stars; one submission).

Conditions:
Malignant hyperthermia, susceptibility to, 1 (MHS1). Also called: Malignant hyperthermia suceptibility 1; Anesthesia related hyperthermia; Malignant hyperpyrexia; Fulminating hyperpyrexia; Pharmacogenic myopathy; RYR1-Related Malignant Hyperthermia Susceptibility. Identifiers: Orphanet 423, MedGen C2930980, MONDO:0007783, OMIM 145600.

Submission:

Color Diagnostics, LLC DBA Color Health
Classification: Uncertain significance for Malignant hyperthermia, susceptibility to, 1. Last evaluated: 2023-07-03. Review status: criteria provided, single submitter. Criteria: ACMG Guidelines, 2015. Collection method: clinical testing. Allele origin: germline.
Comment: This variant changes 1 nucleotide in exon 23 of the RYR1 gene, creating a premature translation stop signal. This variant is expected to result in an absent or non-functional protein product. To our knowledge, this variant has not been reported in individuals affected with RYR1-related disorders in the literature. This variant has not been identified in the general population by the Genome Aggregation Database (gnomAD). The available evidence is insufficient to determine the role of this variant in disease conclusively. Loss of RYR1 function due to truncation variants is not an established disease mechanism for autosomal dominant malignant hyperthermia, although it is associated with other phenotype(s). Due to insufficient evidence, this variant is classified as a Variant of Uncertain Significance.

NM_000540.3(RYR1):c.2830A>T (p.Lys944Ter)

Gene: RYR1 (ryanodine receptor 1; plus strand). Cytogenetic location: 19q13.2.
Variant type: single nucleotide variant.
Coding change: c.2830A>T on transcript NM_000540.3 (MANE Select); coding-DNA position 2830, A replaced by T.
Protein change: p.Lys944Ter; replaces lysine 944 with a stop codon.
Molecular consequence: nonsense.
Genome position (GRCh38, 1-based): chr19:38,464,682, A>T. VCF-style: chr19-38464682-A-T. GRCh37 (hg19) VCF-style: chr19-38955322-A-T.
Other names: c.2830A>T, p.Lys944Ter (NM_001042723.2); short protein forms K944*.
Identifiers: ClinVar variation 2774212 (VCV002774212.2), dbSNP rs2514084145, ClinGen allele CA405633521.